The following is an entry in ClinVar:

ClinVar aggregate classification (germline): Uncertain significance (1 of 4 stars; one submission).

Conditions:
Inborn genetic diseases. Identifiers: MedGen C0950123, MeSH D030342.

Submission:

Ambry Genetics
Classification: Uncertain significance for Inborn genetic diseases. Last evaluated: 2022-03-31. Review status: criteria provided, single submitter. Criteria: Ambry Variant Classification Scheme 2023. Collection method: clinical testing. Allele origin: germline.
Comment: The p.N466D variant (also known as c.1396A>G), located in coding exon 12 of the HEXA gene, results from an A to G substitution at nucleotide position 1396. The asparagine at codon 466 is replaced by aspartic acid, an amino acid with highly similar properties. This amino acid position is conserved. In addition, this alteration is predicted to be tolerated by in silico analysis. Since supporting evidence is limited at this time, the clinical significance of this alteration remains unclear.

NM_000520.6(HEXA):c.1396A>G (p.Asn466Asp)

Gene: HEXA (hexosaminidase subunit alpha; minus strand). Cytogenetic location: 15q23.
Variant type: single nucleotide variant.
Coding change: c.1396A>G on transcript NM_000520.6 (MANE Select); coding-DNA position 1396, A replaced by G.
Protein change: p.Asn466Asp; replaces asparagine 466 with aspartic acid.
Molecular consequence: missense variant. On other transcripts: non-coding transcript variant (1).
Genome position (GRCh38, 1-based): chr15:72,346,260, T>C on the plus strand (A>G on the coding strand, the complement: HEXA is on the minus strand). VCF-style: chr15-72346260-T-C. GRCh37 (hg19) VCF-style: chr15-72638601-T-C.
Other names: c.1429A>G, p.Asn477Asp (NM_001318825.2); short protein forms N477D, N466D.
Identifiers: ClinVar variation 1771642 (VCV001771642.2), dbSNP rs2542512612, ClinGen allele CA393059120.